The following is an entry in ClinVar:

NM_001365276.2(TNXB):c.562C>T (p.Pro188Ser)

Gene: TNXB (tenascin XB; minus strand). Cytogenetic location: 6p21.33.
Variant type: single nucleotide variant.
Coding change: c.562C>T on transcript NM_001365276.2 (MANE Select); coding-DNA position 562, C replaced by T.
Protein change: p.Pro188Ser; replaces proline 188 with serine.
Molecular consequence: missense variant.
Genome position (GRCh38, 1-based): chr6:32,097,291, G>A on the plus strand (C>T on the coding strand, the complement: TNXB is on the minus strand). VCF-style: chr6-32097291-G-A. GRCh37 (hg19) VCF-style: chr6-32065068-G-A.
Other names: c.562C>T, p.Pro188Ser (NM_019105.8); short protein forms P188S.
Identifiers: ClinVar variation 992505 (VCV000992505.8), dbSNP rs371794070, ClinGen allele CA3735825.

ClinVar aggregate classification (germline): Uncertain significance. Review status: criteria provided, multiple submitters, no conflicts (2 of 4 stars). 4 submissions from 4 submitters: Uncertain significance (4). Last evaluated 2026-09-04.

Conditions:
TNXB-related disorder. Also called: TNXB-related condition.
Ehlers-Danlos syndrome due to tenascin-X deficiency (EDSCLL1). Also called: TNXB-Related Classical-Like Ehlers-Danlos Syndrome; EHLERS-DANLOS SYNDROME, CLASSIC-LIKE; Ehlers-Danlos syndrome, classic-like, 1; TNX DEFICIENCY; EDS DUE TO TNX DEFICIENCY. Identifiers: Orphanet 230839, MedGen C1848029, MONDO:0011670, OMIM 606408.
Vesicoureteral reflux 8 (VUR8). Identifiers: Orphanet 289365, MedGen C4014831, MONDO:0014422, OMIM 615963.
Cardiovascular phenotype. Identifiers: MedGen CN230736.

Allele frequency attached by ClinVar (database versions not stated): gnomAD 0.00001; TOPMed 0.00001; gnomAD exomes 0.00002 and 0.00005; ESP Exome Variant Server 0.00008; ExAC 0.00010.
gnomAD v4.1: 38 of 1,613,306 alleles (0.0024%); highest among the groups gnomAD compares: Middle Eastern, 0.033%; 2 homozygotes.

Submissions (4):

PreventionGenetics, part of Exact Sciences
Classification: Uncertain significance for TNXB-related condition. Last evaluated: 2026-09-04. Review status: criteria provided, single submitter. Criteria: ACMG Guidelines, 2015. Collection method: clinical testing. Allele origin: germline.
Comment: The TNXB c.562C>T variant is predicted to result in the amino acid substitution p.Pro188Ser. To our knowledge, this variant has not been reported in the literature. This variant is reported in 0.0098% of alleles in individuals of South Asian descent in gnomAD. At this time, the clinical significance of this variant is uncertain due to the absence of conclusive functional and genetic evidence.

Ambry Genetics
Classification: Uncertain significance for Cardiovascular phenotype. Last evaluated: 2024-12-20. Review status: criteria provided, single submitter. Criteria: Ambry Variant Classification Scheme 2023. Collection method: clinical testing. Allele origin: germline.
Comment: The p.P188S variant (also known as c.562C>T), located in coding exon 2 of the TNXB gene, results from a C to T substitution at nucleotide position 562. The proline at codon 188 is replaced by serine, an amino acid with similar properties. This amino acid position is conserved. In addition, this alteration is predicted to be tolerated by in silico analysis. Since supporting evidence is limited at this time, the clinical significance of this alteration remains unclear.

GeneDx
Classification: Uncertain significance. Last evaluated: 2024-03-06. Review status: criteria provided, single submitter. Criteria: GeneDx Variant Classification Process June 2021. Collection method: clinical testing. Allele origin: germline. Affected: yes.
Comment: In silico analysis supports that this missense variant has a deleterious effect on protein structure/function; Has not been previously published as pathogenic or benign to our knowledge

Center for Genomics, Ann and Robert H. Lurie Children's Hospital of Chicago
Classification: Uncertain significance for Ehlers-Danlos syndrome due to tenascin-X deficiency; Vesicoureteral reflux 8. Review status: criteria provided, single submitter. Criteria: ACMG Guidelines, 2015. Collection method: clinical testing. Allele origin: germline.
Comment: TNXB NM_109105.6 exon 3 p.Pro188Ser (c.562C>T): This variant has not been reported in the literature but is present in 0.009% (3/30462) of South Asian alleles in the Genome Aggregation Database. Evolutionary conservation and computational predictive tools suggest that this variant may impact the protein. In summary, data on this variant is insufficient for disease classification. Therefore, the clinical significance of this variant is uncertain.